The following is an entry in ClinVar:

NM_001366385.1(CARD14):c.1505G>A (p.Cys502Tyr)

Gene: CARD14 (caspase recruitment domain family member 14; plus strand). Cytogenetic location: 17q25.3.
Variant type: single nucleotide variant.
Coding change: c.1505G>A on transcript NM_001366385.1 (MANE Select); coding-DNA position 1505, G replaced by A.
Protein change: p.Cys502Tyr; replaces cysteine 502 with tyrosine.
Molecular consequence: missense variant. On other transcripts: non-coding transcript variant (1).
Genome position (GRCh38, 1-based): chr17:80,195,563, G>A. VCF-style: chr17-80195563-G-A. GRCh37 (hg19) VCF-style: chr17-78169362-G-A.
Other names: c.1505G>A, p.Cys502Tyr (NM_001257970.1, NM_024110.4); c.794G>A, p.Cys265Tyr (NM_052819.3); short protein forms C265Y, C502Y.
Identifiers: ClinVar variation 3750559 (VCV003750559.2).
Genomic context (GRCh38, chr17:80,195,563, plus strand): 5'-GACTCAGAGGGAGCAGGTGATGCAGTTTGAGCCTGCTGCTGCTTATGCTTTGCAGCAGCT[G>A]CCTGGAGATCCCGGAGGGAGACCCGGGAGCCCTGCCGGGAGCTAAGGCAGGCGACCCACA-3'
Protein context (NP_001353314.1, residues 492-512): FGEEPWSFSS[Cys502Tyr]LEIPEGDPGA

ClinVar aggregate classification (germline): Uncertain significance (1 of 4 stars; one submission).

Conditions:
Pityriasis rubra pilaris (PRP). Also called: Pityriasis rubra pilaris--familial type. Identifiers: Orphanet 2897, MedGen C0032027, MONDO:0100017, OMIM 173200, MONDO:0008251.
Psoriasis 2. Identifiers: MedGen C1864497, MONDO:0011269, OMIM 602723.

gnomAD v4.1: 5 of 1,611,018 alleles (0.00031%); highest among the groups gnomAD compares: African/African-American, 0.0053%; no homozygotes.

Submission:

Labcorp Genetics (formerly Invitae), Labcorp
Classification: Uncertain significance for Pityriasis rubra pilaris; Psoriasis 2. Last evaluated: 2024-08-01. Review status: criteria provided, single submitter. Criteria: Invitae Variant Classification Sherloc (09022015). Collection method: clinical testing. Allele origin: germline.
Comment: This sequence change replaces cysteine, which is neutral and slightly polar, with tyrosine, which is neutral and polar, at codon 502 of the CARD14 protein (p.Cys502Tyr). This variant is present in population databases (rs377069416, gnomAD 0.008%). This variant has not been reported in the literature in individuals affected with CARD14-related conditions. Advanced modeling of protein sequence and biophysical properties (such as structural, functional, and spatial information, amino acid conservation, physicochemical variation, residue mobility, and thermodynamic stability) performed at Invitae indicates that this missense variant is not expected to disrupt CARD14 protein function with a negative predictive value of 80%. In summary, the available evidence is currently insufficient to determine the role of this variant in disease. Therefore, it has been classified as a Variant of Uncertain Significance.